The following is an entry in ClinVar:

NM_000993.5(RPL31):c.106G>C (p.Val36Leu)

Gene: RPL31 (ribosomal protein L31; plus strand). Cytogenetic location: 2q11.2.
Variant type: single nucleotide variant.
Coding change: c.106G>C on transcript NM_000993.5 (MANE Select); coding-DNA position 106, G replaced by C.
Protein change: p.Val36Leu; replaces valine 36 with leucine.
Molecular consequence: missense variant.
Genome position (GRCh38, 1-based): chr2:101,002,807, G>C. VCF-style: chr2-101002807-G-C. GRCh37 (hg19) VCF-style: chr2-101619269-G-C.
Other names: c.106G>C, p.Val36Leu (NM_001098577.3, NM_001099693.2); short protein forms V36L.
Identifiers: ClinVar variation 3658739 (VCV003658739.2).

ClinVar aggregate classification (germline): Uncertain significance (1 of 4 stars; one submission).

Submission:

Labcorp Genetics (formerly Invitae), Labcorp
Classification: Uncertain significance. Last evaluated: 2024-08-20. Review status: criteria provided, single submitter. Criteria: Invitae Variant Classification Sherloc (09022015). Collection method: clinical testing. Allele origin: germline.
Comment: This sequence change replaces valine, which is neutral and non-polar, with leucine, which is neutral and non-polar, at codon 36 of the RPL31 protein (p.Val36Leu). This variant is not present in population databases (gnomAD no frequency). This variant has not been reported in the literature in individuals affected with RPL31-related conditions. An algorithm developed to predict the effect of missense changes on protein structure and function (PolyPhen-2) suggests that this variant is likely to be tolerated. In summary, the available evidence is currently insufficient to determine the role of this variant in disease. Therefore, it has been classified as a Variant of Uncertain Significance.